The following is an entry in ClinVar:

NM_001845.6(COL4A1):c.1692T>G (p.Asp564Glu)

Gene: COL4A1 (collagen type IV alpha 1 chain; minus strand). Cytogenetic location: 13q34.
Variant type: single nucleotide variant.
Coding change: c.1692T>G on transcript NM_001845.6 (MANE Select); coding-DNA position 1692, T replaced by G.
Protein change: p.Asp564Glu; replaces aspartic acid 564 with glutamic acid.
Molecular consequence: missense variant.
Genome position (GRCh38, 1-based): chr13:110,187,174, A>C on the plus strand (T>G on the coding strand, the complement: COL4A1 is on the minus strand). VCF-style: chr13-110187174-A-C. GRCh37 (hg19) VCF-style: chr13-110839521-A-C.
Other names: short protein forms D564E.
Identifiers: ClinVar variation 3730607 (VCV003730607.2).

ClinVar aggregate classification (germline): Uncertain significance (1 of 4 stars; one submission).

Submission:

Labcorp Genetics (formerly Invitae), Labcorp
Classification: Uncertain significance. Last evaluated: 2024-09-23. Review status: criteria provided, single submitter. Criteria: Invitae Variant Classification Sherloc (09022015). Collection method: clinical testing. Allele origin: germline.
Comment: This sequence change replaces aspartic acid, which is acidic and polar, with glutamic acid, which is acidic and polar, at codon 564 of the COL4A1 protein (p.Asp564Glu). This variant is not present in population databases (gnomAD no frequency). This variant has not been reported in the literature in individuals affected with COL4A1-related conditions. An algorithm developed to predict the effect of missense changes on protein structure and function (PolyPhen-2) suggests that this variant is likely to be tolerated. In summary, the available evidence is currently insufficient to determine the role of this variant in disease. Therefore, it has been classified as a Variant of Uncertain Significance.